The following is an entry in ClinVar:

ClinVar aggregate classification (germline): Uncertain significance (1 of 4 stars; one submission).

Conditions:
Naxos disease (NXD). Also called: KERATOSIS PALMOPLANTARIS WITH ARRHYTHMOGENIC CARDIOMYOPATHY; MAL DE NAXOS; PALMOPLANTAR KERATODERMA WITH ARRHYTHMOGENIC RIGHT VENTRICULAR CARDIOMYOPATHY AND WOOLLY HAIR; WOOLLY HAIR, PALMOPLANTAR KERATODERMA, AND CARDIAC ABNORMALITIES; CARDIOMYOPATHY, ARRHYTHMOGENIC RIGHT VENTRICULAR, WITH SKIN, HAIR, AND NAIL ABNORMALITIES. Identifiers: Orphanet 34217, MedGen C1832600, MONDO:0011017, OMIM 601214.
Arrhythmogenic right ventricular dysplasia 12. Also called: ARRHYTHMOGENIC RIGHT VENTRICULAR DYSPLASIA, FAMILIAL, 12. Identifiers: MedGen C1969081, MONDO:0012684, OMIM 611528.

Submission:

Labcorp Genetics (formerly Invitae), Labcorp
Classification: Uncertain significance for Arrhythmogenic right ventricular dysplasia 12; Naxos disease. Last evaluated: 2024-06-21. Review status: criteria provided, single submitter. Criteria: Invitae Variant Classification Sherloc (09022015). Collection method: clinical testing. Allele origin: germline.
Comment: This sequence change falls in intron 5 of the JUP gene. It does not directly change the encoded amino acid sequence of the JUP protein. It affects a nucleotide within the consensus splice site. This variant is not present in population databases (gnomAD no frequency). This variant has not been reported in the literature in individuals affected with JUP-related conditions. Variants that disrupt the consensus splice site are a relatively common cause of aberrant splicing (PMID: 17576681, 9536098). Algorithms developed to predict the effect of sequence changes on RNA splicing suggest that this variant is not likely to affect RNA splicing. In summary, the available evidence is currently insufficient to determine the role of this variant in disease. Therefore, it has been classified as a Variant of Uncertain Significance.

Literature cited by the submitters: PubMed 17576681; PubMed 9536098.

NM_002230.4(JUP):c.909+5G>T

Gene: JUP (junction plakoglobin; minus strand). Cytogenetic location: 17q21.2.
Variant type: single nucleotide variant.
Coding change: c.909+5G>T on transcript NM_002230.4 (MANE Select); 5 bases into the intron after coding-DNA position 909, G replaced by T.
Molecular consequence: intron variant.
Genome position (GRCh38, 1-based): chr17:41,767,374, C>A on the plus strand (G>T on the coding strand, the complement: JUP is on the minus strand). VCF-style: chr17-41767374-C-A. GRCh37 (hg19) VCF-style: chr17-39923626-C-A.
Other names: c.909+5G>T (NM_001352774.2, NM_021991.4, NM_001352776.2 and 3 more transcripts).
Identifiers: ClinVar variation 3751981 (VCV003751981.2).